The following is an entry in ClinVar:

NM_000238.4(KCNH2):c.1873G>C (p.Val625Leu)

Gene: KCNH2 (potassium voltage-gated channel subfamily H member 2; minus strand). Cytogenetic location: 7q36.1.
Variant type: single nucleotide variant.
Coding change: c.1873G>C on transcript NM_000238.4 (MANE Select); coding-DNA position 1873, G replaced by C.
Protein change: p.Val625Leu; replaces valine 625 with leucine.
Molecular consequence: missense variant.
Genome position (GRCh38, 1-based): chr7:150,951,520, C>G on the plus strand (G>C on the coding strand, the complement: KCNH2 is on the minus strand). VCF-style: chr7-150951520-C-G. GRCh37 (hg19) VCF-style: chr7-150648608-C-G.
Other names: c.853G>C, p.Val285Leu (NM_001204798.2, NM_172057.3); c.1585G>C, p.Val529Leu (NM_001406753.1, NM_001406756.1); c.1696G>C, p.Val566Leu (NM_001406755.1); c.1573G>C, p.Val525Leu (NM_001406757.1); c.1873G>C, p.Val625Leu (NM_172056.3); short protein forms V285L, V625L, V525L, V529L, V566L.
Identifiers: ClinVar variation 618184 (VCV000618184.9), dbSNP rs1563156725, ClinGen allele CA369857910.

ClinVar aggregate classification (germline): Likely pathogenic (1 of 4 stars; one submission).

Submission:

ARUP Laboratories, Molecular Genetics and Genomics, ARUP Laboratories
Classification: Likely pathogenic. Last evaluated: 2017-06-26. Review status: criteria provided, single submitter. Criteria: ARUP Molecular Germline Variant Investigation Process. Collection method: clinical testing. Allele origin: germline.
Comment: The p.Val625Leu variant has not been reported in the medical literature, is not listed in gene-specific variant databases, nor has it been previously identified in our laboratory. It is also absent from population databases such as 1000 Genomes, the NHLBI GO Exome Sequencing Project (ESP), and the Genome Aggregation Database (gnomAD) browser. The valine at codon 625 is highly conserved considering 14 species up to Tetraodon (Alamut software v2.9), and computational analyses suggest this variant has a significant effect on KCNH2 protein structure/function (SIFT: damaging, PolyPhen2probably damaging, and Mutation Taster: disease causing). Valine 625 is located in the pore region of KCNH2, and two other rare variants affecting this residue (p.Val625Ala and p.Val625Glu) have been reported in individuals included in long QT cohorts (Lieve 2013, Van Langen 2003, Giudicessi 2012). Additionally, several other rare variants in nearby amino acids have also been found in long QT patients (selected references: Kapplinger 2009, Splawski 2000, Kane 2014), and functional studies in cell culture have indicated that these variants (in addition to p.Val625Glu) impart trafficking defects to KCNH2 protein (Anderson 2014). Taken together, we interpret the p.Val625Leu variant to be likely pathogenic.